The following is an entry in ClinVar:

ClinVar aggregate classification (germline): Benign. Review status: criteria provided, multiple submitters, no conflicts (2 of 4 stars). 2 submissions from 2 submitters: Benign (2). Last evaluated 2018-01-13.

Conditions:
Papillary renal cell carcinoma type 1 (RCCP1). Also called: RENAL CELL CARCINOMA, PAPILLARY, 1, SOMATIC; Renal adenocarcinoma; Renal cell carcinoma 1; Renal cell carcinoma, somatic. Identifiers: Orphanet 47044, MedGen C1336839, OMIM 605074, HP:0011797.

Allele frequency attached by ClinVar (database versions not stated): gnomAD exomes 0.00042; TOPMed 0.00271; gnomAD 0.00277 and 0.00287; 1000 Genomes Project 0.00479; 1000 Genomes Project 30x 0.00515.
gnomAD v4.1: 610 of 564,130 alleles (0.11%); highest among the groups gnomAD compares: African/African-American, 0.93%; no homozygotes.

Submissions (2):

Illumina Laboratory Services, Illumina
Classification: Benign for Papillary renal cell carcinoma type 1. Last evaluated: 2018-01-13. Review status: criteria provided, single submitter. Criteria: ICSL Variant Classification Criteria 13 December 2019. Collection method: clinical testing. Allele origin: germline.
Comment: This variant was observed in the ICSL laboratory as part of a predisposition screen in an ostensibly healthy population. It had not been previously curated by ICSL or reported in the Human Gene Mutation Database (HGMD: prior to June 1st, 2018), and was therefore a candidate for classification through an automated scoring system. Utilizing variant allele frequency, disease prevalence and penetrance estimates, and inheritance mode, an automated score was calculated to assess if this variant is too frequent to cause the disease. Based on the score and internal cut-off values, a variant classified as benign is not then subjected to further curation. The score for this variant resulted in a classification of benign for this disease.

Breakthrough Genomics
Classification: Benign. Review status: criteria provided, single submitter. Criteria: ACMG Guidelines, 2015. Collection method: not provided. Allele origin: germline. Inheritance: Autosomal recessive inheritance. Affected: yes.

NM_000245.4(MET):c.*231T>G

Gene: MET (MET proto-oncogene, receptor tyrosine kinase; plus strand). Cytogenetic location: 7q31.2.
Variant type: single nucleotide variant.
Coding change: c.*231T>G on transcript NM_000245.4 (MANE Select); 231 bases downstream of the stop codon, T replaced by G.
Molecular consequence: 3 prime UTR variant.
Genome position (GRCh38, 1-based): chr7:116,796,355, T>G. VCF-style: chr7-116796355-T-G. GRCh37 (hg19) VCF-style: chr7-116436409-T-G.
Other names: c.*231T>G (LRG_662t1, NM_001127500.3, NM_001324402.2).
Identifiers: ClinVar variation 358701 (VCV000358701.6), dbSNP rs59399612, ClinGen allele CA10628124.